The following is an entry in ClinVar:

ClinVar aggregate classification (germline): Uncertain significance (1 of 4 stars; one submission).

gnomAD v4.1: 2 of 1,608,396 alleles (0.00012%); highest among the groups gnomAD compares: Non-Finnish European, 0.00017%; no homozygotes.

Submission:

Labcorp Genetics (formerly Invitae), Labcorp
Classification: Uncertain significance. Last evaluated: 2020-11-17. Review status: criteria provided, single submitter. Criteria: Invitae Variant Classification Sherloc (09022015). Collection method: clinical testing. Allele origin: germline.
Comment: This sequence change replaces alanine with threonine at codon 1016 of the SZT2 protein (p.Ala1016Thr). The alanine residue is weakly conserved and there is a small physicochemical difference between alanine and threonine. This variant is not present in population databases (ExAC no frequency). This variant has not been reported in the literature in individuals with SZT2-related conditions. Algorithms developed to predict the effect of missense changes on protein structure and function output the following: SIFT: "Deleterious"; PolyPhen-2: "Benign"; Align-GVGD: "Class C0". The threonine amino acid residue is found in multiple mammalian species, suggesting that this missense change does not adversely affect protein function. These predictions have not been confirmed by published functional studies and their clinical significance is uncertain. In summary, the available evidence is currently insufficient to determine the role of this variant in disease. Therefore, it has been classified as a Variant of Uncertain Significance.

NM_001365999.1(SZT2):c.3217G>A (p.Ala1073Thr)

Gene: SZT2 (SZT2 subunit of KICSTOR complex; plus strand). Cytogenetic location: 1p34.2.
Variant type: single nucleotide variant.
Coding change: c.3217G>A on transcript NM_001365999.1 (MANE Select); coding-DNA position 3217, G replaced by A.
Protein change: p.Ala1073Thr; replaces alanine 1073 with threonine.
Molecular consequence: missense variant.
Genome position (GRCh38, 1-based): chr1:43,426,717, G>A. VCF-style: chr1-43426717-G-A. GRCh37 (hg19) VCF-style: chr1-43892388-G-A.
Other names: c.3046G>A, p.Ala1016Thr (NM_015284.4); short protein forms A1016T, A1073T.
Identifiers: ClinVar variation 1485990 (VCV001485990.8), dbSNP rs2153933245, ClinGen allele CA340016461.